The following is an entry in ClinVar:

ClinVar aggregate classification (germline): Pathogenic. Review status: criteria provided, multiple submitters, no conflicts (2 of 4 stars). 4 submissions from 4 submitters: Pathogenic (2). 2 of the submissions do not count toward it. Last evaluated 2023-12-10.

Conditions:
BLOC1S6-related disorder. Also called: BLOC1S6-related condition.
Hermansky-Pudlak syndrome 9 (HPS9). Identifiers: Orphanet 280663, Orphanet 79430, MedGen C3280026, MONDO:0013606, OMIM 614171.
Hermansky-Pudlak syndrome (HPS). Also called: ALBINISM WITH HEMORRHAGIC DIATHESIS AND PIGMENTED RETICULOENDOTHELIAL CELLS. Identifiers: Orphanet 79430, MedGen C0079504, MONDO:0019312.

Allele frequency attached by ClinVar (database versions not stated): gnomAD exomes 0.00002; ExAC 0.00003; TOPMed below 0.00001; gnomAD 0.00001.

Submissions (4):

Labcorp Genetics (formerly Invitae), Labcorp
Classification: Pathogenic for Hermansky-Pudlak syndrome 9. Last evaluated: 2023-12-10. Review status: criteria provided, single submitter. Criteria: Invitae Variant Classification Sherloc (09022015). Collection method: clinical testing. Allele origin: germline.
Comment: This sequence change creates a premature translational stop signal (p.Gln78*) in the BLOC1S6 gene. It is expected to result in an absent or disrupted protein product. Loss-of-function variants in BLOC1S6 are known to be pathogenic (PMID: 10610180, 21665000, 22461475). This variant is present in population databases (rs201348482, gnomAD 0.02%). This premature translational stop signal has been observed in individuals with Hermansky-Pudlak syndrome (PMID: 21665000, 22461475, 26575419). ClinVar contains an entry for this variant (Variation ID: 30412). Algorithms developed to predict the effect of sequence changes on RNA splicing suggest that this variant may disrupt the consensus splice site. For these reasons, this variant has been classified as Pathogenic.

Blueprint Genetics
Classification: Pathogenic for BLOC1S6-related disorders. Last evaluated: 2023-11-06. Review status: criteria provided, single submitter. Criteria: ACMG Guidelines, 2015. Collection method: clinical testing. Allele origin: germline. Affected: yes. Observed: 2 variant alleles.

University of Washington Center for Mendelian Genomics, University of Washington
Classification: Likely pathogenic for Hermansky-Pudlak syndrome. Last evaluated: 2015-12-18. Review status: no assertion criteria provided. Collection method: research. Allele origin: unknown. Affected: yes. Not counted in ClinVar's aggregate classification.

OMIM
Classification: Pathogenic for HERMANSKY-PUDLAK SYNDROME 9. Last evaluated: 2012-03-29. Review status: no assertion criteria provided. Collection method: literature only. Allele origin: germline. Not counted in ClinVar's aggregate classification.

Literature cited by the submitters: PubMed 10610180 (cited by Labcorp Genetics (formerly Invitae), Labcorp); PubMed 21665000 (cited by Labcorp Genetics (formerly Invitae), Labcorp); PubMed 22461475 (cited by Labcorp Genetics (formerly Invitae), Labcorp and OMIM); PubMed 26575419 (cited by 3 submitters).

NM_012388.4(BLOC1S6):c.232C>T (p.Gln78Ter)

Gene: BLOC1S6 (biogenesis of lysosomal organelles complex 1 subunit 6; plus strand). Cytogenetic location: 15q21.1.
Variant type: single nucleotide variant.
Coding change: c.232C>T on transcript NM_012388.4 (MANE Select); coding-DNA position 232, C replaced by T.
Protein change: p.Gln78Ter; replaces glutamine 78 with a stop codon.
Molecular consequence: nonsense. On other transcripts: non-coding transcript variant (6), intron variant (1).
Genome position (GRCh38, 1-based): chr15:45,603,107, C>T. VCF-style: chr15-45603107-C-T. GRCh37 (hg19) VCF-style: chr15-45895305-C-T.
Other names: c.247C>T, p.Gln83Ter (NM_001311255.1); c.240-2321C>T (NM_001311256.1); short protein forms Q78*, Q83*.
Identifiers: ClinVar variation 30412 (VCV000030412.14), dbSNP rs201348482, ClinGen allele CA259804.